The following is an entry in ClinVar:

NM_000383.4(AIRE):c.497C>T (p.Pro166Leu)

Gene: AIRE (autoimmune regulator; plus strand). Cytogenetic location: 21q22.3.
Variant type: single nucleotide variant.
Coding change: c.497C>T on transcript NM_000383.4 (MANE Select); coding-DNA position 497, C replaced by T.
Protein change: p.Pro166Leu; replaces proline 166 with leucine.
Molecular consequence: missense variant.
Genome position (GRCh38, 1-based): chr21:44,287,550, C>T. VCF-style: chr21-44287550-C-T. GRCh37 (hg19) VCF-style: chr21-45707433-C-T.
Other names: short protein forms P166L.
Identifiers: ClinVar variation 235694 (VCV000235694.22), dbSNP rs11910214, ClinGen allele CA10051586.

ClinVar aggregate classification (germline): Benign/Likely benign. Review status: criteria provided, multiple submitters, no conflicts (2 of 4 stars). 6 submissions from 6 submitters: Benign (2); Likely benign (3). 1 of the submissions does not count toward it. Last evaluated 2026-01-31.

Conditions:
Polyglandular autoimmune syndrome, type 1 (APS1). Also called: AUTOIMMUNE POLYENDOCRINE SYNDROME, TYPE I, WITH OR WITHOUT REVERSIBLE METAPHYSEAL DYSPLASIA; HYPOADRENOCORTICISM WITH HYPOPARATHYROIDISM AND SUPERFICIAL MONILIASIS; PGA I; APS I; Whitaker syndrome; Autoimmune polyendocrinopathy syndrome, type I. Identifiers: Orphanet 3453, MedGen C0085859, MONDO:0009411, OMIM 240300.

Allele frequency attached by ClinVar (database versions not stated): gnomAD exomes 0.00117; ExAC 0.00266; 1000 Genomes Project 0.00300; 1000 Genomes Project 30x 0.00344; gnomAD 0.00523 and 0.00580; ESP Exome Variant Server 0.00543; TOPMed 0.00603.
gnomAD v4.1: 1,617 of 1,559,260 alleles (0.1%); highest among the groups gnomAD compares: African/African-American, 1.9%; 17 homozygotes.

Submissions (6):

Labcorp Genetics (formerly Invitae), Labcorp
Classification: Benign for Polyglandular autoimmune syndrome, type 1. Last evaluated: 2026-01-31. Review status: criteria provided, single submitter. Criteria: Invitae Variant Classification Sherloc (09022015). Collection method: clinical testing. Allele origin: germline.

Blueprint Genetics
Classification: Likely benign. Last evaluated: 2024-11-15. Review status: criteria provided, single submitter. Criteria: ACMG Guidelines, 2015. Collection method: clinical testing. Allele origin: germline.

Genetic Services Laboratory, University of Chicago
Classification: Benign. Last evaluated: 2019-04-12. Review status: criteria provided, single submitter. Criteria: ACMG Guidelines, 2015. Collection method: clinical testing. Allele origin: germline. Affected: no.

Center for Pediatric Genomic Medicine, Children's Mercy Hospital and Clinics
Classification: Likely benign. Last evaluated: 2015-02-17. Review status: criteria provided, single submitter. Criteria: ACMG Guidelines, 2015. Collection method: clinical testing. Allele origin: germline.
ClinVar note: Converted during submission from Likely Benign to Likely benign.

Breakthrough Genomics
Classification: Likely benign. Review status: criteria provided, single submitter. Criteria: ACMG Guidelines, 2015. Collection method: not provided. Allele origin: germline. Inheritance: Autosomal recessive inheritance. Affected: yes.

Natera, Inc.
Classification: Benign for Polyglandular autoimmune syndrome type 1. Last evaluated: 2019-12-05. Review status: no assertion criteria provided. Collection method: clinical testing. Allele origin: germline. Not counted in ClinVar's aggregate classification.